The following is an entry in ClinVar:

ClinVar aggregate classification (germline): Uncertain significance (1 of 4 stars; one submission).

Allele frequency attached by ClinVar (database versions not stated): TOPMed 0.00001.
gnomAD v4.1: 7 of 1,614,210 alleles (0.00043%); highest among the groups gnomAD compares: Admixed American, 0.0067%; no homozygotes.

Submission:

Labcorp Genetics (formerly Invitae), Labcorp
Classification: Uncertain significance. Last evaluated: 2022-05-13. Review status: criteria provided, single submitter. Criteria: Invitae Variant Classification Sherloc (09022015). Collection method: clinical testing. Allele origin: germline.
Comment: In summary, the available evidence is currently insufficient to determine the role of this variant in disease. Therefore, it has been classified as a Variant of Uncertain Significance. Algorithms developed to predict the effect of missense changes on protein structure and function are either unavailable or do not agree on the potential impact of this missense change (SIFT: "Deleterious"; PolyPhen-2: "Benign"; Align-GVGD: "Class C0"). This variant has not been reported in the literature in individuals affected with CAPN5-related conditions. This variant is present in population databases (rs367724731, gnomAD 0.004%). This sequence change replaces aspartic acid, which is acidic and polar, with asparagine, which is neutral and polar, at codon 207 of the CAPN5 protein (p.Asp207Asn).

NM_004055.5(CAPN5):c.619G>A (p.Asp207Asn)

Gene: CAPN5 (calpain 5; plus strand). Cytogenetic location: 11q13.5.
Variant type: single nucleotide variant.
Coding change: c.619G>A on transcript NM_004055.5 (MANE Select); coding-DNA position 619, G replaced by A.
Protein change: p.Asp207Asn; replaces aspartic acid 207 with asparagine.
Molecular consequence: missense variant.
Genome position (GRCh38, 1-based): chr11:77,114,354, G>A. VCF-style: chr11-77114354-G-A. GRCh37 (hg19) VCF-style: chr11-76825400-G-A.
Other names: short protein forms D207N.
Identifiers: ClinVar variation 2414736 (VCV002414736.6), dbSNP rs367724731, ClinGen allele CA6196494.